The following is an entry in ClinVar:

NM_002691.4(POLD1):c.476_497dup (p.Arg166_Glu167insAlaHisGlyTer)

Gene: POLD1 (DNA polymerase delta 1, catalytic subunit; plus strand). Cytogenetic location: 19q13.33.
Variant type: Duplication.
Coding change: c.476_497dup on transcript NM_002691.4 (MANE Select); coding-DNA positions 476 to 497, 22 bases duplicated (AGCACATGGGTGACCTGCAACG).
Protein change: p.Arg166_Glu167insAlaHisGlyTer.
Molecular consequence: nonsense, inframe insertion. On other transcripts: non-coding transcript variant (1).
Genome position (GRCh38, 1-based): chr19:50,402,011-50,402,032, AGCACATGGGTGACCTGCAACG duplicated; duplicating any 22 consecutive bases within chr19:50,402,009-50,402,032 gives the same sequence; the c. name uses the placement nearest the transcript's 3' end. VCF-style (leftmost placement, unchanged base first): chr19-50402008-C-CCGAGCACATGGGTGACCTGCAA. GRCh37 (hg19) VCF-style: chr19-50905265-C-CCGAGCACATGGGTGACCTGCAA.
Other names: c.476_497dup, p.Arg166_Glu167insAlaHisGlyTer (NM_001256849.1, NM_001308632.1).
Identifiers: ClinVar variation 1027023 (VCV001027023.8), dbSNP rs2038658000, ClinGen allele CA2340882545.

ClinVar aggregate classification (germline): Uncertain significance (1 of 4 stars; one submission).

Conditions:
POLD1-related polyposis and colorectal cancer syndrome (CRCS10). Also called: Colorectal cancer 10; COLORECTAL CANCER, SUSCEPTIBILITY TO, ON CHROMOSOME 19q; Colorectal cancer, susceptibility to, 10. Identifiers: Orphanet 220460, MedGen C2675481, MONDO:0012953, OMIM 612591.

Submission:

Labcorp Genetics (formerly Invitae), Labcorp
Classification: Uncertain significance for POLD1-related polyposis and colorectal cancer syndrome. Last evaluated: 2021-07-15. Review status: criteria provided, single submitter. Criteria: Invitae Variant Classification Sherloc (09022015). Collection method: clinical testing. Allele origin: germline.
Comment: This sequence change creates a premature translational stop signal (p.Glu167Alafs*4) in the POLD1 gene. It is expected to result in an absent or disrupted protein product. This variant is not present in population databases (ExAC no frequency). This variant has not been reported in the literature in individuals with POLD1-related conditions. Algorithms developed to predict the effect of sequence changes on RNA splicing suggest that this variant may create or strengthen a splice site, but this prediction has not been confirmed by published transcriptional studies. Missense variants that disrupt the 3'-5' exonuclease (proof-reading) activity of the POLD1 protein, are associated with an increased risk for colonic adenomatous polyps and colon cancer (PMID: 23263490, 23447401). However loss-of-function variants, which result in an absent or severely disrupted POLD1 protein, and missense variants outside the exonuclease domain, are unlikely to be associated with polyposis or colon cancer. Without further clinical and genetic evidence, this variant has been classified as a Variant of Uncertain Significance.

Literature cited by the submitters: PubMed 23263490; PubMed 23447401.